The following is an entry in ClinVar:

ClinVar aggregate classification (germline): Uncertain significance (1 of 4 stars; one submission).

Submission:

Labcorp Genetics (formerly Invitae), Labcorp
Classification: Uncertain significance. Last evaluated: 2022-11-22. Review status: criteria provided, single submitter. Criteria: Invitae Variant Classification Sherloc (09022015). Collection method: clinical testing. Allele origin: germline.
Comment: This sequence change replaces isoleucine, which is neutral and non-polar, with threonine, which is neutral and polar, at codon 336 of the GRM6 protein (p.Ile336Thr). This variant is not present in population databases (gnomAD no frequency). This variant has not been reported in the literature in individuals affected with GRM6-related conditions. ClinVar contains an entry for this variant (Variation ID: 1415409). Advanced modeling of protein sequence and biophysical properties (such as structural, functional, and spatial information, amino acid conservation, physicochemical variation, residue mobility, and thermodynamic stability) performed at Invitae indicates that this missense variant is not expected to disrupt GRM6 protein function. In summary, the available evidence is currently insufficient to determine the role of this variant in disease. Therefore, it has been classified as a Variant of Uncertain Significance.

NM_000843.4(GRM6):c.1007T>C (p.Ile336Thr)

Gene: GRM6 (glutamate metabotropic receptor 6; minus strand). Cytogenetic location: 5q35.3.
Variant type: single nucleotide variant.
Coding change: c.1007T>C on transcript NM_000843.4 (MANE Select); coding-DNA position 1007, T replaced by C.
Protein change: p.Ile336Thr; replaces isoleucine 336 with threonine.
Molecular consequence: missense variant.
Genome position (GRCh38, 1-based): chr5:178,990,597, A>G on the plus strand (T>C on the coding strand, the complement: GRM6 is on the minus strand). VCF-style: chr5-178990597-A-G. GRCh37 (hg19) VCF-style: chr5-178417598-A-G.
Other names: short protein forms I336T.
Identifiers: ClinVar variation 1415409 (VCV001415409.8), dbSNP rs2113340230, ClinGen allele CA362431700.